The following is an entry in ClinVar:

NM_018192.4(P3H2):c.1684C>T (p.Arg562Ter)

Gene: P3H2 (prolyl 3-hydroxylase 2; minus strand). Cytogenetic location: 3q28.
Variant type: single nucleotide variant.
Coding change: c.1684C>T on transcript NM_018192.4 (MANE Select); coding-DNA position 1684, C replaced by T.
Protein change: p.Arg562Ter; replaces arginine 562 with a stop codon.
Molecular consequence: nonsense.
Genome position (GRCh38, 1-based): chr3:189,972,889, G>A on the plus strand (C>T on the coding strand, the complement: P3H2 is on the minus strand). VCF-style: chr3-189972889-G-A. GRCh37 (hg19) VCF-style: chr3-189690678-G-A.
Other names: c.1141C>T, p.Arg381Ter (NM_001134418.2); short protein forms R562*, R381*.
Identifiers: ClinVar variation 856635 (VCV000856635.6), dbSNP rs772782439, ClinGen allele CA2752823.

ClinVar aggregate classification (germline): Pathogenic (1 of 4 stars; one submission).

Allele frequency attached by ClinVar (database versions not stated): gnomAD exomes below 0.00001 and 0.00001; gnomAD 0.00001; ExAC 0.00002; TOPMed 0.00002.
gnomAD v4.1: 7 of 1,613,910 alleles (0.00043%); highest among the groups gnomAD compares: Non-Finnish European, 0.00059%; no homozygotes.

Submission:

Labcorp Genetics (formerly Invitae), Labcorp
Classification: Pathogenic. Last evaluated: 2025-01-13. Review status: criteria provided, single submitter. Criteria: Invitae Variant Classification Sherloc (09022015). Collection method: clinical testing. Allele origin: germline.
Comment: This sequence change creates a premature translational stop signal (p.Arg562*) in the P3H2 gene. It is expected to result in an absent or disrupted protein product. Loss-of-function variants in P3H2 are known to be pathogenic (PMID: 24172257, 25469533). This variant is present in population databases (rs772782439, gnomAD 0.002%). This variant has not been reported in the literature in individuals affected with P3H2-related conditions. ClinVar contains an entry for this variant (Variation ID: 856635). For these reasons, this variant has been classified as Pathogenic.

Literature cited by the submitters: PubMed 24172257; PubMed 25469533.